The following is an entry in ClinVar:

ClinVar aggregate classification (germline): Uncertain significance (1 of 4 stars; one submission).

Allele frequency attached by ClinVar (database versions not stated): gnomAD exomes 0.00002; ExAC 0.00005; TOPMed 0.00005; gnomAD 0.00006; 1000 Genomes Project 30x 0.00016; 1000 Genomes Project 0.00020.
gnomAD v4.1: 47 of 1,612,834 alleles (0.0029%); highest among the groups gnomAD compares: Middle Eastern, 0.016%; no homozygotes.

Submission:

Labcorp Genetics (formerly Invitae), Labcorp
Classification: Uncertain significance. Last evaluated: 2022-07-19. Review status: criteria provided, single submitter. Criteria: Invitae Variant Classification Sherloc (09022015). Collection method: clinical testing. Allele origin: germline.
Comment: Algorithms developed to predict the effect of missense changes on protein structure and function (SIFT, PolyPhen-2, Align-GVGD) all suggest that this variant is likely to be tolerated. In summary, the available evidence is currently insufficient to determine the role of this variant in disease. Therefore, it has been classified as a Variant of Uncertain Significance. This variant has not been reported in the literature in individuals affected with LAMA5-related conditions. This variant is present in population databases (rs549420425, gnomAD 0.01%). This sequence change replaces arginine, which is basic and polar, with histidine, which is basic and polar, at codon 1636 of the LAMA5 protein (p.Arg1636His).

NM_005560.6(LAMA5):c.4907G>A (p.Arg1636His)

Gene: LAMA5 (laminin subunit alpha 5; minus strand). Cytogenetic location: 20q13.33.
Variant type: single nucleotide variant.
Coding change: c.4907G>A on transcript NM_005560.6 (MANE Select); coding-DNA position 4907, G replaced by A.
Protein change: p.Arg1636His; replaces arginine 1636 with histidine.
Molecular consequence: missense variant.
Genome position (GRCh38, 1-based): chr20:62,327,560, C>T on the plus strand (G>A on the coding strand, the complement: LAMA5 is on the minus strand). VCF-style: chr20-62327560-C-T. GRCh37 (hg19) VCF-style: chr20-60902616-C-T.
Other names: short protein forms R1636H.
Identifiers: ClinVar variation 1901729 (VCV001901729.4), dbSNP rs549420425, ClinGen allele CA9942439.